The following is an entry in ClinVar:

NM_001999.4(FBN2):c.6138G>T (p.Gly2046=)

Gene: FBN2 (fibrillin 2; minus strand). Cytogenetic location: 5q23.3.
Variant type: single nucleotide variant.
Coding change: c.6138G>T on transcript NM_001999.4 (MANE Select); coding-DNA position 6138, G replaced by T.
Protein change: p.Gly2046=; no amino-acid change (glycine 2046 retained).
Molecular consequence: synonymous variant.
Genome position (GRCh38, 1-based): chr5:128,300,845, C>A on the plus strand (G>T on the coding strand, the complement: FBN2 is on the minus strand). VCF-style: chr5-128300845-C-A. GRCh37 (hg19) VCF-style: chr5-127636537-C-A.
Identifiers: ClinVar variation 381151 (VCV000381151.17), dbSNP rs150627604, ClinGen allele CA3394494.

ClinVar aggregate classification (germline): Benign/Likely benign. Review status: criteria provided, multiple submitters, no conflicts (2 of 4 stars). 4 submissions from 4 submitters: Benign (1); Likely benign (2). 1 of the submissions does not count toward it. Last evaluated 2026-01-04.

Conditions:
FBN2-related disorder. Also called: FBN2-related condition.
Familial thoracic aortic aneurysm and aortic dissection (TAAD). Also called: Thoracic aortic aneurysms and dissections. Identifiers: Orphanet 91387, MedGen C4707243, MONDO:0019625.
Congenital contractural arachnodactyly (CCA). Also called: BEALS SYNDROME; Arthrogryposis, distal, type 9; Beals-Hecht syndrome. Identifiers: Orphanet 115, MedGen C0220668, MONDO:0007363, OMIM 121050.

Allele frequency attached by ClinVar (database versions not stated): gnomAD exomes 0.00003 and 0.00008; gnomAD 0.00005; TOPMed 0.00006; ExAC 0.00007; ESP Exome Variant Server 0.00008.
gnomAD v4.1: 58 of 1,613,914 alleles (0.0036%); highest among the groups gnomAD compares: African/African-American, 0.0013%; no homozygotes.

Submissions (4):

Labcorp Genetics (formerly Invitae), Labcorp
Classification: Benign for Congenital contractural arachnodactyly. Last evaluated: 2026-01-04. Review status: criteria provided, single submitter. Criteria: Invitae Variant Classification Sherloc (09022015). Collection method: clinical testing. Allele origin: germline.

GeneDx
Classification: Likely benign. Last evaluated: 2016-11-21. Review status: criteria provided, single submitter. Criteria: GeneDx Variant Classification (06012015). Collection method: clinical testing. Allele origin: germline. Affected: yes.
Comment: This variant is considered likely benign or benign based on one or more of the following criteria: it is a conservative change, it occurs at a poorly conserved position in the protein, it is predicted to be benign by multiple in silico algorithms, and/or has population frequency not consistent with disease.

Ambry Genetics
Classification: Likely benign for Familial thoracic aortic aneurysm and aortic dissection. Last evaluated: 2016-09-16. Review status: criteria provided, single submitter. Criteria: Ambry Variant Classification Scheme 2023. Collection method: clinical testing. Allele origin: germline.

PreventionGenetics, part of Exact Sciences
Classification: Likely benign for FBN2-related condition. Last evaluated: 2022-05-27. Review status: no assertion criteria provided. Collection method: clinical testing. Allele origin: germline. Not counted in ClinVar's aggregate classification.
Comment: This variant is classified as likely benign based on ACMG/AMP sequence variant interpretation guidelines (Richards et al. 2015 PMID: 25741868, with internal and published modifications).